The following is an entry in ClinVar:

ClinVar aggregate classification (germline): Benign/Likely benign. Review status: criteria provided, multiple submitters, no conflicts (2 of 4 stars). 4 submissions from 4 submitters: Benign (2); Likely benign (2). Last evaluated 2026-01-28.

Conditions:
ATP6V0A4-related disorder. Also called: ATP6V0A4-related condition.

Allele frequency attached by ClinVar (database versions not stated): gnomAD exomes 0.00011 and 0.00025; ExAC 0.00024; 1000 Genomes Project 0.00060; gnomAD 0.00065 and 0.00069; TOPMed 0.00082; ESP Exome Variant Server 0.00092; 1000 Genomes Project 30x 0.00094.
gnomAD v4.1: 270 of 1,613,820 alleles (0.017%); highest among the groups gnomAD compares: African/African-American, 0.24%; 2 homozygotes.

Submissions (4):

Labcorp Genetics (formerly Invitae), Labcorp
Classification: Benign. Last evaluated: 2026-01-28. Review status: criteria provided, single submitter. Criteria: Invitae Variant Classification Sherloc (09022015). Collection method: clinical testing. Allele origin: germline.

PreventionGenetics, part of Exact Sciences
Classification: Likely benign for ATP6V0A4-related condition. Last evaluated: 2025-07-16. Review status: criteria provided, single submitter. Criteria: ACMG Guidelines, 2015. Collection method: clinical testing. Allele origin: germline.
Comment: This variant is classified as likely benign based on ACMG/AMP sequence variant interpretation guidelines (Richards et al. 2015 PMID: 25741868, with internal and published modifications).

Blueprint Genetics
Classification: Likely benign. Last evaluated: 2024-10-30. Review status: criteria provided, single submitter. Criteria: ACMG Guidelines, 2015. Collection method: clinical testing. Allele origin: germline.

Breakthrough Genomics
Classification: Benign. Review status: criteria provided, single submitter. Criteria: ACMG Guidelines, 2015. Collection method: not provided. Allele origin: germline. Inheritance: Autosomal recessive inheritance. Affected: yes.

NM_020632.3(ATP6V0A4):c.1467C>T (p.Asn489=)

Gene: ATP6V0A4 (ATPase H+ transporting V0 subunit a4; minus strand). Cytogenetic location: 7q34.
Variant type: single nucleotide variant.
Coding change: c.1467C>T on transcript NM_020632.3 (MANE Select); coding-DNA position 1467, C replaced by T.
Protein change: p.Asn489=; no amino-acid change (asparagine 489 retained).
Molecular consequence: synonymous variant.
Genome position (GRCh38, 1-based): chr7:138,745,134, G>A on the plus strand (C>T on the coding strand, the complement: ATP6V0A4 is on the minus strand). VCF-style: chr7-138745134-G-A. GRCh37 (hg19) VCF-style: chr7-138429879-G-A.
Other names: c.1467C>T (NM_020632.2); c.1467C>T, p.Asn489= (NM_130840.3, NM_130841.3).
Identifiers: ClinVar variation 1167742 (VCV001167742.12), dbSNP rs115818606, ClinGen allele CA4504773.
Genomic context (GRCh38, chr7:138,745,134, plus strand): 5'-AGGCCACCTGGATGGCCAGCGACTACACCATCTCTGTCTGTCAACTCACTTCCATGTGCC[G>A]TTTCTGAACATGGGTTGGACACTCCAAGAAGAGCCAAAGATGTTCAAGGACTTGGAGAAG-3'
Protein context (NP_065683.2, residues 479-499): SSWSVQPMFR[Asn489=]GTWNTHVMEE